The following is an entry in ClinVar:

NM_000324.3(RHAG):c.1018G>A (p.Val340Met)

Gene: RHAG (Rh associated glycoprotein; minus strand). Cytogenetic location: 6p12.3.
Variant type: single nucleotide variant.
Coding change: c.1018G>A on transcript NM_000324.3 (MANE Select); coding-DNA position 1018, G replaced by A.
Protein change: p.Val340Met; replaces valine 340 with methionine.
Molecular consequence: missense variant.
Genome position (GRCh38, 1-based): chr6:49,611,073, C>T on the plus strand (G>A on the coding strand, the complement: RHAG is on the minus strand). VCF-style: chr6-49611073-C-T. GRCh37 (hg19) VCF-style: chr6-49578786-C-T.
Other names: short protein forms V340M.
Identifiers: ClinVar variation 2634109 (VCV002634109.3), dbSNP rs749005033, ClinGen allele CA3847760.
Genomic context (GRCh38, chr6:49,611,073, plus strand): 5'-CTTTTACTCACGTGTTGGAGGCGCCCATTGCTACTGCCACAATGCCTGCAAGGCCTCCCA[C>T]TACACCAGGTAAGCCGTGGAGGTTATGGACCCCACATGTATCATGGATCCTCAGTTTAGT-3'
Protein context (NP_000315.2, residues 330-350): VHNLHGLPGV[Val340Met]GGLAGIVAVA

ClinVar aggregate classification (germline): Uncertain significance. Review status: criteria provided, multiple submitters, no conflicts (2 of 4 stars). 3 submissions from 3 submitters: Uncertain significance (3). Last evaluated 2024-10-08.

Conditions:
RHAG-related disorder. Also called: RHAG-related condition.

Allele frequency attached by ClinVar (database versions not stated): ExAC 0.00002; TOPMed 0.00004.
gnomAD v4.1: 109 of 1,613,788 alleles (0.0068%); highest among the groups gnomAD compares: Non-Finnish European, 0.0089%; no homozygotes.

Submissions (3):

Revvity Omics, Revvity
Classification: Uncertain significance. Last evaluated: 2024-10-08. Review status: criteria provided, single submitter. Criteria: ACMG Guidelines, 2015. Collection method: clinical testing. Allele origin: germline.

Ambry Genetics
Classification: Uncertain significance. Last evaluated: 2023-09-29. Review status: criteria provided, single submitter. Criteria: Ambry Variant Classification Scheme 2023. Collection method: clinical testing. Allele origin: germline.

PreventionGenetics, part of Exact Sciences
Classification: Uncertain significance for RHAG-related condition. Last evaluated: 2022-08-31. Review status: criteria provided, single submitter. Criteria: ACMG Guidelines, 2015. Collection method: clinical testing. Allele origin: germline.
Comment: The RHAG c.1018G>A variant is predicted to result in the amino acid substitution p.Val340Met. To our knowledge, this variant has not been reported in the literature. This variant is reported in 0.0040% of alleles in individuals of African descent in gnomAD. At this time, the clinical significance of this variant is uncertain due to the absence of conclusive functional and genetic evidence.